The following is an entry in ClinVar:

NM_144631.6(ZNF513):c.151G>A (p.Glu51Lys)

Gene: ZNF513 (zinc finger protein 513; minus strand). Cytogenetic location: 2p23.3.
Variant type: single nucleotide variant.
Coding change: c.151G>A on transcript NM_144631.6 (MANE Select); coding-DNA position 151, G replaced by A.
Protein change: p.Glu51Lys; replaces glutamic acid 51 with lysine.
Molecular consequence: missense variant. On other transcripts: 5 prime UTR variant (1).
Genome position (GRCh38, 1-based): chr2:27,380,153, C>T on the plus strand (G>A on the coding strand, the complement: ZNF513 is on the minus strand). VCF-style: chr2-27380153-C-T. GRCh37 (hg19) VCF-style: chr2-27603020-C-T.
Other names: c.-36G>A (NM_001201459.2); short protein forms E51K.
Identifiers: ClinVar variation 864505 (VCV000864505.9), dbSNP rs767763235, ClinGen allele CA1578146.

ClinVar aggregate classification (germline): Uncertain significance (1 of 4 stars; one submission).

Allele frequency attached by ClinVar (database versions not stated): gnomAD exomes below 0.00001; ExAC 0.00001.
gnomAD v4.1: 1 of 1,614,118 alleles (0.000062%); highest among the groups gnomAD compares: Non-Finnish European, 0.000085%; no homozygotes.

Submission:

Labcorp Genetics (formerly Invitae), Labcorp
Classification: Uncertain significance. Last evaluated: 2024-01-29. Review status: criteria provided, single submitter. Criteria: Invitae Variant Classification Sherloc (09022015). Collection method: clinical testing. Allele origin: germline.
Comment: This sequence change replaces glutamic acid, which is acidic and polar, with lysine, which is basic and polar, at codon 51 of the ZNF513 protein (p.Glu51Lys). This variant is present in population databases (rs767763235, gnomAD 0.007%). This variant has not been reported in the literature in individuals affected with ZNF513-related conditions. ClinVar contains an entry for this variant (Variation ID: 864505). An algorithm developed to predict the effect of missense changes on protein structure and function (PolyPhen-2) suggests that this variant is likely to be tolerated. In summary, the available evidence is currently insufficient to determine the role of this variant in disease. Therefore, it has been classified as a Variant of Uncertain Significance.